The following is an entry in ClinVar:

NM_000051.4(ATM):c.2216A>T (p.Glu739Val)

Gene: ATM (ATM serine/threonine kinase; plus strand). Cytogenetic location: 11q22.3.
Variant type: single nucleotide variant.
Coding change: c.2216A>T on transcript NM_000051.4 (MANE Select); coding-DNA position 2216, A replaced by T.
Protein change: p.Glu739Val; replaces glutamic acid 739 with valine.
Molecular consequence: missense variant.
Genome position (GRCh38, 1-based): chr11:108,256,306, A>T. VCF-style: chr11-108256306-A-T. GRCh37 (hg19) VCF-style: chr11-108127033-A-T.
Other names: c.2216A>T, p.Glu739Val (NM_001351834.2); short protein forms E739V.
Identifiers: ClinVar variation 3720442 (VCV003720442.2).
Genomic context (GRCh38, chr11:108,256,306, plus strand): 5'-CACGTCTTTTGGTGGGTGTCCTTGGCTGCTACTGTTACATGGGTGTAATAGCTGAAGAGG[A>T]AGCATATAAGTCAGAATTATTCCAGAAAGCCAAGGTAGGAGAATTTATACTAATAAAGTT-3'
Protein context (NP_000042.3, residues 729-749): YCYMGVIAEE[Glu739Val]AYKSELFQKA

ClinVar aggregate classification (germline): Uncertain significance (1 of 4 stars; one submission).

Conditions:
Ataxia-telangiectasia syndrome (AT). Also called: ATAXIA-TELANGIECTASIA, COMPLEMENTATION GROUP A; ATAXIA-TELANGIECTASIA, FRESNO VARIANT; Ataxia-telangiectasia; Ataxia-telangiectasia, complementation group E; Ataxia telangiectasia (A-T); LOUIS-BAR SYNDROME. Identifiers: Orphanet 100, MedGen C0004135, MONDO:0008840, OMIM 208900.

Submission:

Labcorp Genetics (formerly Invitae), Labcorp
Classification: Uncertain significance for Ataxia-telangiectasia syndrome. Last evaluated: 2025-01-22. Review status: criteria provided, single submitter. Criteria: Invitae Variant Classification Sherloc (09022015). Collection method: clinical testing. Allele origin: germline.
Comment: This sequence change replaces glutamic acid, which is acidic and polar, with valine, which is neutral and non-polar, at codon 739 of the ATM protein (p.Glu739Val). This variant is not present in population databases (gnomAD no frequency). This variant has not been reported in the literature in individuals affected with ATM-related conditions. Invitae Evidence Modeling of protein sequence and biophysical properties (such as structural, functional, and spatial information, amino acid conservation, physicochemical variation, residue mobility, and thermodynamic stability) indicates that this missense variant is not expected to disrupt ATM protein function with a negative predictive value of 95%. In summary, the available evidence is currently insufficient to determine the role of this variant in disease. Therefore, it has been classified as a Variant of Uncertain Significance.